The following is an entry in ClinVar:

ClinVar aggregate classification (germline): Likely benign. Review status: criteria provided, single submitter (1 of 4 stars). 2 submissions from 2 submitters: Likely benign (1). 1 of the submissions does not count toward it. Last evaluated 2024-11-13.

Conditions:
IRF2BPL-related disorder. Also called: IRF2BPL-related condition. Identifiers: MedGen CN381093.

Allele frequency attached by ClinVar (database versions not stated): gnomAD exomes 0.00004; gnomAD 0.00049; TOPMed 0.00055; ESP Exome Variant Server 0.00077; 1000 Genomes Project 30x 0.00016; 1000 Genomes Project 0.00020; ExAC 0.00020.

Submissions (2):

Blueprint Genetics
Classification: Likely benign. Last evaluated: 2024-11-13. Review status: criteria provided, single submitter. Criteria: ACMG Guidelines, 2015. Collection method: clinical testing. Allele origin: germline.

PreventionGenetics, part of Exact Sciences
Classification: Likely benign for IRF2BPL-related condition. Last evaluated: 2022-10-20. Review status: no assertion criteria provided. Collection method: clinical testing. Allele origin: germline. Not counted in ClinVar's aggregate classification.
Comment: This variant is classified as likely benign based on ACMG/AMP sequence variant interpretation guidelines (Richards et al. 2015 PMID: 25741868, with internal and published modifications).

NM_024496.4(IRF2BPL):c.550A>G (p.Ser184Gly)

Gene: IRF2BPL (interferon regulatory factor 2 binding protein like; minus strand). Cytogenetic location: 14q24.3.
Variant type: single nucleotide variant.
Coding change: c.550A>G on transcript NM_024496.4 (MANE Select); coding-DNA position 550, A replaced by G.
Protein change: p.Ser184Gly; replaces serine 184 with glycine.
Molecular consequence: missense variant.
Genome position (GRCh38, 1-based): chr14:77,027,243, T>C on the plus strand (A>G on the coding strand, the complement: IRF2BPL is on the minus strand). VCF-style: chr14-77027243-T-C. GRCh37 (hg19) VCF-style: chr14-77493586-T-C.
Other names: short protein forms S184G.
Identifiers: ClinVar variation 3048707 (VCV003048707.3), dbSNP rs141439476, ClinGen allele CA7283911.
Genomic context (GRCh38, chr14:77,027,243, plus strand): 5'-GTGTTGGTTTGGGGAAGCCGTTTGGGCCCCCCAGGCCGTTGGGCAGTCGCGCGGTGTGGC[T>C]GCTGCTTCCCAGGCTCACCGGCGGTGGCGGGTACTCGAAGCGGCTGCGCTGTTCCACCGC-3'
Protein context (NP_078772.1, residues 174-194): PPPPVSLGSS[Ser184Gly]HTARLPNGLG